The following is an entry in ClinVar:

NM_007144.3(PCGF2):c.919A>G (p.Ser307Gly)

Genes: CISD3 (CDGSH iron sulfur domain 3; plus strand), PCGF2 (polycomb group ring finger 2; minus strand). Cytogenetic location: 17q12.
Variant type: single nucleotide variant.
Coding change: c.919A>G on transcript NM_007144.3 (MANE Select); coding-DNA position 919, A replaced by G.
Protein change: p.Ser307Gly; replaces serine 307 with glycine.
Molecular consequence: missense variant. On other transcripts: 3 prime UTR variant (1).
Genome position (GRCh38, 1-based): chr17:38,735,339, T>C on the plus strand (A>G on the coding strand, the complement: PCGF2 is on the minus strand). VCF-style: chr17-38735339-T-C. GRCh37 (hg19) VCF-style: chr17-36891592-T-C.
Other names: c.919A>G (NM_007144.2); c.*1884T>C (NM_001136498.2); c.919A>G, p.Ser307Gly (NM_001369614.1, NM_001369615.1); short protein forms S307G.
Identifiers: ClinVar variation 1516301 (VCV001516301.7), dbSNP rs781613328, ClinGen allele CA8524850.

ClinVar aggregate classification (germline): Uncertain significance. Review status: criteria provided, multiple submitters, no conflicts (2 of 4 stars). 2 submissions from 2 submitters: Uncertain significance (2). Last evaluated 2025-06-03.

Conditions:
PCGF2-related disorder. Also called: PCGF2-related condition.

Allele frequency attached by ClinVar (database versions not stated): gnomAD exomes below 0.00001 and 0.00001.
gnomAD v4.1: 2 of 1,552,254 alleles (0.00013%); highest among the groups gnomAD compares: Admixed American, 0.0037%; no homozygotes.

Submissions (2):

PreventionGenetics, part of Exact Sciences
Classification: Uncertain significance for PCGF2-related condition. Last evaluated: 2025-06-03. Review status: criteria provided, single submitter. Criteria: ACMG Guidelines, 2015. Collection method: clinical testing. Allele origin: germline.
Comment: The PCGF2 c.919A>G variant is predicted to result in the amino acid substitution p.Ser307Gly. To our knowledge, this variant has not been reported in the literature. This variant is reported in 0.0073% of alleles in individuals of Latino descent in gnomAD. At this time, the clinical significance of this variant is uncertain due to the absence of conclusive functional and genetic evidence.

Labcorp Genetics (formerly Invitae), Labcorp
Classification: Uncertain significance. Last evaluated: 2023-04-23. Review status: criteria provided, single submitter. Criteria: Invitae Variant Classification Sherloc (09022015). Collection method: clinical testing. Allele origin: germline.
Comment: Algorithms developed to predict the effect of missense changes on protein structure and function output the following: SIFT: "Not Available"; PolyPhen-2: "Benign"; Align-GVGD: "Not Available". The glycine amino acid residue is found in multiple mammalian species, which suggests that this missense change does not adversely affect protein function. In summary, the available evidence is currently insufficient to determine the role of this variant in disease. Therefore, it has been classified as a Variant of Uncertain Significance. ClinVar contains an entry for this variant (Variation ID: 1516301). This variant has not been reported in the literature in individuals affected with PCGF2-related conditions. This variant is present in population databases (rs781613328, gnomAD 0.004%). This sequence change replaces serine, which is neutral and polar, with glycine, which is neutral and non-polar, at codon 307 of the PCGF2 protein (p.Ser307Gly).